The following is an entry in ClinVar:

ClinVar aggregate classification (germline): Uncertain significance. Review status: criteria provided, single submitter (1 of 4 stars). 3 submissions from 3 submitters: Uncertain significance (1). 2 of the submissions do not count toward it. Last evaluated 2026-01-15.

Conditions:
Mitochondrial complex I deficiency, nuclear type 33. Also called: Mitochondrial complex 1 deficiency, nuclear type 33. Identifiers: MedGen C4748840, MONDO:0032636, OMIM 618253.
Mitochondrial disease. Also called: Mitochondrial disorder; Mitochondrial disorders. Identifiers: Orphanet 68380, MedGen C0751651, MeSH D028361, MONDO:0044970.

Allele frequency attached by ClinVar (database versions not stated): TOPMed 0.00007; gnomAD exomes below 0.00001; gnomAD 0.00002.

Submissions (3):

Women's Health and Genetics/Laboratory Corporation of America, LabCorp
Classification: Uncertain significance. Last evaluated: 2026-01-15. Review status: criteria provided, single submitter. Criteria: LabCorp Variant Classification Summary - May 2015. Collection method: clinical testing. Allele origin: germline.
Comment: Variant summary: NDUFA6 c.3G>A (p.Met1Ile) alters the initiation codon and is predicted to result either in absence of the protein or truncation of the encoded protein due to translation initiation at a downstream codon. The next downstream in-frame initiation codon is at codon 25. The variant allele was found at a frequency of 4e-06 in 251370 control chromosomes. c.3G>A has been observed in the homozygous state in at least one individual affected with clinical features of Mitochondrial Complex I Deficiency, Nuclear Type 33 (example: Alston_2018). This data indicates that the variant may be associated with disease. At least one publication reports experimental evidence evaluating an impact on protein function, however, does not allow convincing conclusions about the variant effect. The following publications have been ascertained in the context of this evaluation (PMID: 30245030, 39320038, 33233646). ClinVar contains an entry for this variant (Variation ID: 487476). Based on the evidence outlined above, the variant was classified as VUS-possibly pathogenic.

OMIM
Classification: Pathogenic for MITOCHONDRIAL COMPLEX I DEFICIENCY, NUCLEAR TYPE 33. Last evaluated: 2018-12-13. Review status: no assertion criteria provided. Collection method: literature only. Allele origin: germline. Not counted in ClinVar's aggregate classification.

Mitochondrial Research Group, Newcastle University
Classification: Pathogenic for Mitochondrial disease. Last evaluated: 2018-07-19. Review status: no assertion criteria provided. Collection method: clinical testing. Allele origin: germline. Affected: yes. Observed: 1 variant allele. Not counted in ClinVar's aggregate classification.

Literature cited by the submitters: PubMed 33233646 (cited by Women's Health and Genetics/Laboratory Corporation of America, LabCorp); PubMed 30245030 (cited by Women's Health and Genetics/Laboratory Corporation of America, LabCorp and OMIM); PubMed 39320038 (cited by Women's Health and Genetics/Laboratory Corporation of America, LabCorp).

NM_002490.6(NDUFA6):c.3G>A (p.Met1Ile)

Gene: NDUFA6 (NADH:ubiquinone oxidoreductase subunit A6; minus strand). Cytogenetic location: 22q13.2.
Variant type: single nucleotide variant.
Coding change: c.3G>A on transcript NM_002490.6 (MANE Select); coding-DNA position 3, G replaced by A.
Protein change: p.Met1Ile; changes the start codon (methionine 1).
Molecular consequence: missense variant, initiator codon variant.
Genome position (GRCh38, 1-based): chr22:42,090,742, C>T on the plus strand (G>A on the coding strand, the complement: NDUFA6 is on the minus strand). VCF-style: chr22-42090742-C-T. GRCh37 (hg19) VCF-style: chr22-42486746-C-T.
Other names: short protein forms M1I.
Identifiers: ClinVar variation 487476 (VCV000487476.5), dbSNP rs1023075742, ClinGen allele CA324675241.